The following is an entry in ClinVar:

NM_006922.4(SCN3A):c.3697C>T (p.Arg1233Ter)

Gene: SCN3A (sodium voltage-gated channel alpha subunit 3; minus strand). Cytogenetic location: 2q24.3.
Variant type: single nucleotide variant.
Coding change: c.3697C>T on transcript NM_006922.4 (MANE Select); coding-DNA position 3697, C replaced by T.
Protein change: p.Arg1233Ter; replaces arginine 1233 with a stop codon.
Molecular consequence: nonsense.
Genome position (GRCh38, 1-based): chr2:165,113,031, G>A on the plus strand (C>T on the coding strand, the complement: SCN3A is on the minus strand). VCF-style: chr2-165113031-G-A. GRCh37 (hg19) VCF-style: chr2-165969541-G-A.
Other names: c.3550C>T, p.Arg1184Ter (NM_001081676.2, NM_001081677.2); short protein forms R1184*, R1233*.
Identifiers: ClinVar variation 3693173 (VCV003693173.2).
Genomic context (GRCh38, chr2:165,113,031, plus strand): 5'-GAATGAATATATAGGTAAAGACTTTGTCAGCATATTCTAGCATGGTTTTGATAGTCTTTC[G>A]CTGTTCAATGTATATATCTTCAAAGGCCTATGAATCAAAAATATTTTATTTTACTTAAAT-3'

ClinVar aggregate classification (germline): Uncertain significance (1 of 4 stars; one submission).

gnomAD v4.1: 1 of 1,612,068 alleles (0.000062%); highest among the groups gnomAD compares: Non-Finnish European, 0.000085%; no homozygotes.

Submission:

Labcorp Genetics (formerly Invitae), Labcorp
Classification: Uncertain significance. Last evaluated: 2024-02-11. Review status: criteria provided, single submitter. Criteria: Invitae Variant Classification Sherloc (09022015). Collection method: clinical testing. Allele origin: germline.
Comment: This sequence change creates a premature translational stop signal (p.Arg1233*) in the SCN3A gene. It is expected to result in an absent or disrupted protein product. However, the current clinical and genetic evidence is not sufficient to establish whether loss-of-function variants in SCN3A cause disease. This variant is not present in population databases (gnomAD no frequency). This variant has not been reported in the literature in individuals affected with SCN3A-related conditions. In summary, the available evidence is currently insufficient to determine the role of this variant in disease. Therefore, it has been classified as a Variant of Uncertain Significance.